The following is an entry in ClinVar:

ClinVar aggregate classification (germline): Uncertain significance (1 of 4 stars; one submission).

Conditions:
X-linked immunodeficiency with magnesium defect, Epstein-Barr virus infection and neoplasia. Identifiers: Orphanet 317476, MedGen C3275445, MONDO:0010455, OMIM 300853.

Submission:

Labcorp Genetics (formerly Invitae), Labcorp
Classification: Uncertain significance for X-linked immunodeficiency with magnesium defect, Epstein-Barr virus infection and neoplasia. Last evaluated: 2025-07-20. Review status: criteria provided, single submitter. Criteria: Invitae Variant Classification Sherloc (09022015). Collection method: clinical testing. Allele origin: germline.
Comment: This sequence change replaces asparagine, which is neutral and polar, with serine, which is neutral and polar, at codon 89 of the MAGT1 protein (p.Asn89Ser). This variant is not present in population databases (gnomAD no frequency). This variant has not been reported in the literature in individuals affected with MAGT1-related conditions. Invitae Evidence Modeling of protein sequence and biophysical properties (such as structural, functional, and spatial information, amino acid conservation, physicochemical variation, residue mobility, and thermodynamic stability) indicates that this missense variant is not expected to disrupt MAGT1 protein function with a negative predictive value of 80%. In summary, the available evidence is currently insufficient to determine the role of this variant in disease. Therefore, it has been classified as a Variant of Uncertain Significance.

NM_001367916.1(MAGT1):c.170A>G (p.Asn57Ser)

Gene: MAGT1 (magnesium transporter 1; minus strand). Cytogenetic location: Xq21.1.
Variant type: single nucleotide variant.
Coding change: c.170A>G on transcript NM_001367916.1 (MANE Select); coding-DNA position 170, A replaced by G.
Protein change: p.Asn57Ser; replaces asparagine 57 with serine.
Molecular consequence: missense variant.
Genome position (GRCh38, 1-based): chrX:77,875,530, T>C on the plus strand (A>G on the coding strand, the complement: MAGT1 is on the minus strand). VCF-style: chrX-77875530-T-C. GRCh37 (hg19) VCF-style: chrX-77131027-T-C.
Other names: c.266A>G, p.Asn89Ser (NM_032121.5); short protein forms N89S, N57S.
Identifiers: ClinVar variation 4773026 (VCV004773026.1).